The following is an entry in ClinVar:

ClinVar aggregate classification (germline): Uncertain significance (1 of 4 stars; one submission).

gnomAD v4.1: 9 of 1,612,380 alleles (0.00056%); highest among the groups gnomAD compares: Admixed American, 0.013%; no homozygotes.

Submission:

Labcorp Genetics (formerly Invitae), Labcorp
Classification: Uncertain significance. Last evaluated: 2025-08-26. Review status: criteria provided, single submitter. Criteria: Invitae Variant Classification Sherloc (09022015). Collection method: clinical testing. Allele origin: germline.
Comment: This sequence change replaces proline, which is neutral and non-polar, with leucine, which is neutral and non-polar, at codon 3 of the TELO2 protein (p.Pro3Leu). This variant is present in population databases (rs764349331, gnomAD 0.02%). This variant has not been reported in the literature in individuals affected with TELO2-related conditions. Invitae Evidence Modeling of protein sequence and biophysical properties (such as structural, functional, and spatial information, amino acid conservation, physicochemical variation, residue mobility, and thermodynamic stability) indicates that this missense variant is not expected to disrupt TELO2 protein function with a negative predictive value of 95%. In summary, the available evidence is currently insufficient to determine the role of this variant in disease. Therefore, it has been classified as a Variant of Uncertain Significance.

NM_016111.4(TELO2):c.8C>T (p.Pro3Leu)

Gene: TELO2 (telomere maintenance 2; plus strand). Cytogenetic location: 16p13.3.
Variant type: single nucleotide variant.
Coding change: c.8C>T on transcript NM_016111.4 (MANE Select); coding-DNA position 8, C replaced by T.
Protein change: p.Pro3Leu; replaces proline 3 with leucine.
Molecular consequence: missense variant.
Genome position (GRCh38, 1-based): chr16:1,494,289, C>T. VCF-style: chr16-1494289-C-T. GRCh37 (hg19) VCF-style: chr16-1544290-C-T.
Other names: c.8C>T, p.Pro3Leu (NM_001351846.2); short protein forms P3L.
Identifiers: ClinVar variation 4748806 (VCV004748806.1).